The following is an entry in ClinVar:

ClinVar aggregate classification (germline): Pathogenic/Likely pathogenic. Review status: criteria provided, multiple submitters, no conflicts (2 of 4 stars). 2 submissions from 2 submitters: Pathogenic (1); Likely pathogenic (1). Last evaluated 2024-06-29.

Conditions:
Epidermolysis bullosa dystrophica. Also called: Dystrophic epidermolysis bullosa, Hallopeau-Siemens type (formerly); Dystrophic epidermolysis bullosa. Identifiers: Orphanet 303, MedGen C0079294, MONDO:0006543.

Submissions (2):

Natera, Inc.
Classification: Likely pathogenic for Dystrophic epidermolysis bullosa. Last evaluated: 2024-06-29. Review status: criteria provided, single submitter. Criteria: Natera Variant Classification Schema (03/2026). Collection method: clinical testing. Allele origin: germline.
Comment: The c.8707del variant in COL7A1 is a frameshift variant predicted to elongate the protein beyond the termination codon. This variant is expected to result in nonsense mediated decay, truncation, or a dysfunctional protein product. This variant is rare in the general population with a frequency below the threshold expected for the associated phenotype(s). Given the available evidence, this variant is classified as Likely Pathogenic.

Labcorp Genetics (formerly Invitae), Labcorp
Classification: Pathogenic. Last evaluated: 2022-03-17. Review status: criteria provided, single submitter. Criteria: Invitae Variant Classification Sherloc (09022015). Collection method: clinical testing. Allele origin: germline.
Comment: This sequence change results in a frameshift in the COL7A1 gene (p.Ala2903Profs*49). While this is not anticipated to result in nonsense mediated decay, it is expected to disrupt the last 42 amino acid(s) of the COL7A1 protein and extend the protein by 6 additional amino acid residues. This variant is not present in population databases (gnomAD no frequency). This variant has not been reported in the literature in individuals affected with COL7A1-related conditions. This variant results in an extension of the COL7A1 protein. Other variant(s) that result in a similarly extended protein product (p.Thr2921Profs*31) have been determined to be pathogenic (PMID: 8618018; Invitae). This suggests that these extensions are likely to be disease-causing. For these reasons, this variant has been classified as Pathogenic.

Literature cited by the submitters: PubMed 8618018 (cited by Labcorp Genetics (formerly Invitae), Labcorp).

NM_000094.4(COL7A1):c.8707del (p.Ala2903fs)

Gene: COL7A1 (collagen type VII alpha 1 chain; minus strand). Cytogenetic location: 3p21.31.
Variant type: Deletion.
Coding change: c.8707del on transcript NM_000094.4 (MANE Select); coding-DNA position 8707, one base deleted (G; older notation c.8707delG).
Protein change: p.Ala2903fs; shifts the reading frame from alanine 2903.
Molecular consequence: frameshift variant.
Genome position (GRCh38, 1-based): chr3:48,564,894, C deleted on the plus strand (G on the coding strand, the reverse complement: COL7A1 is on the minus strand); the first of 2 consecutive C bases (chr3:48,564,894-48,564,895); deleting either gives the same sequence. VCF-style (leftmost placement, unchanged base first): chr3-48564893-GC-G. GRCh37 (hg19) VCF-style: chr3-48602326-GC-G.
Other names: c.8707del (NM_000094.3); short protein forms A2903fs.
Identifiers: ClinVar variation 1452614 (VCV001452614.9), dbSNP rs2107625491, ClinGen allele CA2573137090.
Genomic context (GRCh38, chr3:48,564,893, plus strand): 5'-TCACGGGTCCCAAAACGGTTGGCATTCCCTCCACAGCCACCATAGACAAAAGGGTGACAG[GC>G]CTCTGTGCTGCCTGTCACAGCCCGATGGTACCAGCGCAGGGTGTAGGCAGTGCAGGAGCC-3'